The following is an entry in ClinVar:

NM_021830.5(TWNK):c.85C>T (p.Arg29Ter)

Gene: TWNK (twinkle mtDNA helicase; plus strand). Cytogenetic location: 10q24.31.
Variant type: single nucleotide variant.
Coding change: c.85C>T on transcript NM_021830.5 (MANE Select); coding-DNA position 85, C replaced by T.
Protein change: p.Arg29Ter; replaces arginine 29 with a stop codon.
Molecular consequence: nonsense. On other transcripts: non-coding transcript variant (4), intron variant (3).
Genome position (GRCh38, 1-based): chr10:100,988,295, C>T. VCF-style: chr10-100988295-C-T. GRCh37 (hg19) VCF-style: chr10-102748052-C-T.
Other names: c.85C>T, p.Arg29Ter (NM_001163812.2); c.-120+682C>T (NM_001163814.2, NM_001163813.2); c.-58+682C>T (NM_001368275.1); c.85C>T (NM_021830.4); short protein forms R29*.
Identifiers: ClinVar variation 2136924 (VCV002136924.5), dbSNP rs1292672301, ClinGen allele CA378205922.
Genomic context (GRCh38, chr10:100,988,295, plus strand): 5'-TACCCCCTCCGTATCTTGTTACCCCTGCGTGGGGAGTGGATGGGTCGGAGGGGCCTGCCC[C>T]GAAACTTGGCCCCAGGCCCTCCTCGCAGACGTTACAGGAAGGAGACTCTCCAAGCCTTGG-3'

ClinVar aggregate classification (germline): Pathogenic. Review status: criteria provided, multiple submitters, no conflicts (2 of 4 stars). 2 submissions from 2 submitters: Pathogenic (2). Last evaluated 2025-05-16.

Allele frequency attached by ClinVar (database versions not stated): TOPMed 0.00001.

Submissions (2):

GeneDx
Classification: Pathogenic. Last evaluated: 2025-05-16. Review status: criteria provided, single submitter. Criteria: GeneDx Variant Classification Process June 2021. Collection method: clinical testing. Allele origin: germline. Affected: yes.
Comment: Nonsense variant predicted to result in protein truncation or nonsense mediated decay in a gene for which loss of function is a known mechanism of disease; Not observed at significant frequency in large population cohorts (gnomAD); This variant is associated with the following publications: (PMID: 31455392, 21681116)

Labcorp Genetics (formerly Invitae), Labcorp
Classification: Pathogenic. Last evaluated: 2024-09-30. Review status: criteria provided, single submitter. Criteria: Invitae Variant Classification Sherloc (09022015). Collection method: clinical testing. Allele origin: germline.
Comment: This sequence change creates a premature translational stop signal (p.Arg29*) in the TWNK gene. It is expected to result in an absent or disrupted protein product. Loss-of-function variants in TWNK are known to be pathogenic (PMID: 21681116, 27551684, 31455392). This variant is present in population databases (no rsID available, gnomAD 0.003%). This premature translational stop signal has been observed in individual(s) with clinical features of autosomal recessive mitochondrial DNA depletion syndrome (PMID: 21681116, 31455392). It has also been observed to segregate with disease in related individuals. ClinVar contains an entry for this variant (Variation ID: 2136924). For these reasons, this variant has been classified as Pathogenic.

Literature cited by the submitters: PubMed 21681116 (cited by Labcorp Genetics (formerly Invitae), Labcorp); PubMed 27551684 (cited by Labcorp Genetics (formerly Invitae), Labcorp); PubMed 31455392 (cited by Labcorp Genetics (formerly Invitae), Labcorp).